The following is an entry in ClinVar:

NC_000023.10:g.(32328394_32360216)_(32383317_32398626)dup

Gene: DMD (dystrophin; minus strand). Cytogenetic location: Xp21.1.
Variant type: Duplication.
Identifiers: ClinVar variation 3902407 (VCV003902407.1).

ClinVar aggregate classification (germline): Uncertain significance (1 of 4 stars; one submission).

Submission:

Women's Health and Genetics/Laboratory Corporation of America, LabCorp
Classification: Uncertain significance. Last evaluated: 2025-05-08. Review status: criteria provided, single submitter. Criteria: LabCorp Variant Classification Summary - May 2015. Collection method: clinical testing. Allele origin: germline.
Comment: Variant summary: The variant involves the duplication of exons 35-41 in the DMD gene. A presumed nomenclature of c.(4845+1_4846-1)_(5922+1_5923-1)dup has been designated for the purposes of this classification. It is assumed to be a tandem duplication in direct orientation (PMIDs: 25640679, 30054569). This Copy Number Variant (CNV) is predicted to result in an in-frame duplication within this gene. The frequency of this variant in the general population could not be determined as the technology used for large population databases (ExAC, gnomAD, ESP, 1000G) cannot detect variants of this type. The available data on variant occurrences in the general population are insufficient to allow any conclusion about variant significance. To our knowledge, no occurrence of c.(4845+1_4846-1)_(5922+1_5923-1)dup in individuals affected with DMD-related conditions and no experimental evidence demonstrating its impact on protein function have been reported. No submitters have cited clinical-significance assessments for this variant to ClinVar. Based on the evidence outlined above, the variant was classified as uncertain significance.